The following is an entry in ClinVar:

NM_014727.3(KMT2B):c.640T>C (p.Ser214Pro)

Gene: KMT2B (lysine methyltransferase 2B; plus strand). Cytogenetic location: 19q13.12.
Variant type: single nucleotide variant.
Coding change: c.640T>C on transcript NM_014727.3 (MANE Select); coding-DNA position 640, T replaced by C.
Protein change: p.Ser214Pro; replaces serine 214 with proline.
Molecular consequence: missense variant.
Genome position (GRCh38, 1-based): chr19:35,719,987, T>C. VCF-style: chr19-35719987-T-C. GRCh37 (hg19) VCF-style: chr19-36210889-T-C.
Other names: short protein forms S214P.
Identifiers: ClinVar variation 2649728 (VCV002649728.24), dbSNP rs761296656, ClinGen allele CA9384080.
Genomic context (GRCh38, chr19:35,719,987, plus strand): 5'-ACTGAACTTCTCCGGCGGGCCCAGGCACCCCAAGCACCCCGGAGCCGGGCATGTGAGCCC[T>C]CCACCCCCCGGCGGTCTCGGGGACGGCCCCCAGGACGGCCAGCAGGCCCCTGCAGGAGGA-3'
Protein context (NP_055542.1, residues 204-224): QAPRSRACEP[Ser214Pro]TPRRSRGRPP

ClinVar aggregate classification (germline): Uncertain significance (1 of 4 stars; one submission).

Allele frequency attached by ClinVar (database versions not stated): gnomAD 0.00004; gnomAD exomes 0.00004; ExAC 0.00009.
gnomAD v4.1: 71 of 1,612,868 alleles (0.0044%); highest among the groups gnomAD compares: Non-Finnish European, 0.00068%; no homozygotes.

Submission:

CeGaT Center for Human Genetics Tuebingen
Classification: Uncertain significance. Last evaluated: 2023-09-01. Review status: criteria provided, single submitter. Criteria: CeGaT Center For Human Genetics Tuebingen Variant Classification Criteria Version 2. Collection method: clinical testing. Allele origin: germline. Affected: yes. Observed: 1 variant allele.
Comment: KMT2B: PM2